The following is an entry in ClinVar:

ClinVar aggregate classification (germline): Likely benign. Review status: criteria provided, single submitter (1 of 4 stars). 2 submissions from 2 submitters: Likely benign (1). 1 of the submissions does not count toward it. Last evaluated 2026-01-20.

Conditions:
FAH-related disorder. Also called: FAH-related condition.
Tyrosinemia type I (TYRSN1). Also called: Tyrosinemia type 1; Fumarylacetoacetase deficiency; Deficiency of fumarylacetoacetase; HEPATORENAL TYROSINEMIA; FAH DEFICIENCY. Identifiers: Orphanet 882, MedGen C0268490, MONDO:0010161, OMIM 276700. Disease mechanism: loss of function.

Allele frequency attached by ClinVar (database versions not stated): ExAC 0.00001; gnomAD 0.00001 and 0.00002; gnomAD exomes 0.00001; TOPMed 0.00002; 1000 Genomes Project 30x 0.00016; 1000 Genomes Project 0.00020.
gnomAD v4.1: 18 of 1,614,270 alleles (0.0011%); highest among the groups gnomAD compares: African/African-American, 0.013%; no homozygotes.

Submissions (2):

Labcorp Genetics (formerly Invitae), Labcorp
Classification: Likely benign for Tyrosinemia type I. Last evaluated: 2026-01-20. Review status: criteria provided, single submitter. Criteria: Invitae Variant Classification Sherloc (09022015). Collection method: clinical testing. Allele origin: germline.

PreventionGenetics, part of Exact Sciences
Classification: Likely benign for FAH-related condition. Last evaluated: 2019-03-20. Review status: no assertion criteria provided. Collection method: clinical testing. Allele origin: germline. Not counted in ClinVar's aggregate classification.
Comment: This variant is classified as likely benign based on ACMG/AMP sequence variant interpretation guidelines (Richards et al. 2015 PMID: 25741868, with internal and published modifications).

NM_000137.4(FAH):c.723G>A (p.Lys241=)

Gene: FAH (fumarylacetoacetate hydrolase; plus strand). Cytogenetic location: 15q25.1.
Variant type: single nucleotide variant.
Coding change: c.723G>A on transcript NM_000137.4 (MANE Select); coding-DNA position 723, G replaced by A.
Protein change: p.Lys241=; no amino-acid change (lysine 241 retained).
Molecular consequence: synonymous variant.
Genome position (GRCh38, 1-based): chr15:80,173,030, G>A. VCF-style: chr15-80173030-G-A. GRCh37 (hg19) VCF-style: chr15-80465372-G-A.
Other names: c.723G>A (NM_000137.2); c.723G>A, p.Lys241= (NM_001374377.1, NM_001374380.1).
Identifiers: ClinVar variation 1147630 (VCV001147630.10), dbSNP rs199995781, ClinGen allele CA7691326.